The following is an entry in ClinVar:

NM_000318.3(PEX2):c.237A>G (p.Ser79=)

Gene: PEX2 (peroxisomal biogenesis factor 2; minus strand). Cytogenetic location: 8q21.13.
Variant type: single nucleotide variant.
Coding change: c.237A>G on transcript NM_000318.3 (MANE Select); coding-DNA position 237, A replaced by G.
Protein change: p.Ser79=; no amino-acid change (serine 79 retained).
Molecular consequence: synonymous variant.
Genome position (GRCh38, 1-based): chr8:76,983,942, T>C on the plus strand (A>G on the coding strand, the complement: PEX2 is on the minus strand). VCF-style: chr8-76983942-T-C. GRCh37 (hg19) VCF-style: chr8-77896178-T-C.
Other names: c.237A>G, p.Ser79= (NM_001079867.2, NM_001172086.2, NM_001172087.2).
Identifiers: ClinVar variation 288170 (VCV000288170.42), dbSNP rs138220337, ClinGen allele CA4788748.
Genomic context (GRCh38, chr8:76,983,942, plus strand): 5'-ACTGGGTGGCTGATATCTCAGGTTAGGGGAAAAATCATTTTTGTACTTAATATTCAAAAC[T>C]GACTGTCCCACTGTGGCATTTTTGGAGTAGATGGTGAATCTCCACAAGAAAACCCATAAG-3'
Protein context (NP_000309.2, residues 69-89): IYSKNATVGQ[Ser79=]VLNIKYKNDF

ClinVar aggregate classification (germline): Likely benign. Review status: criteria provided, multiple submitters, no conflicts (2 of 4 stars). 6 submissions from 6 submitters: Likely benign (5). 1 of the submissions does not count toward it. Last evaluated 2025-12-28.

Conditions:
PEX2-related disorder. Also called: PEX2-related condition.
Peroxisome biogenesis disorder 5A (Zellweger) (PBD5A). Identifiers: Orphanet 912, MedGen C3553940, MONDO:0013932, OMIM 614866.

Allele frequency attached by ClinVar (database versions not stated): gnomAD exomes 0.00003 and 0.00014; ExAC 0.00021; ESP Exome Variant Server 0.00046; gnomAD 0.00061 and 0.00063; TOPMed 0.00062; 1000 Genomes Project 0.00100.
gnomAD v4.1: 134 of 1,614,212 alleles (0.0083%); highest among the groups gnomAD compares: African/African-American, 0.17%; no homozygotes.

Submissions (6):

Labcorp Genetics (formerly Invitae), Labcorp
Classification: Likely benign for Peroxisome biogenesis disorder 5A (Zellweger). Last evaluated: 2025-12-28. Review status: criteria provided, single submitter. Criteria: Invitae Variant Classification Sherloc (09022015). Collection method: clinical testing. Allele origin: germline.

Blueprint Genetics
Classification: Likely benign. Last evaluated: 2024-07-30. Review status: criteria provided, single submitter. Criteria: ACMG Guidelines, 2015. Collection method: clinical testing. Allele origin: germline.

CeGaT Center for Human Genetics Tuebingen
Classification: Likely benign. Last evaluated: 2023-09-01. Review status: criteria provided, single submitter. Criteria: CeGaT Center For Human Genetics Tuebingen Variant Classification Criteria Version 2. Collection method: clinical testing. Allele origin: germline. Affected: yes. Observed: 1 variant allele.
Comment: PEX2: BP4, BP7

Eurofins Ntd Llc (ga)
Classification: Likely benign. Last evaluated: 2016-05-16. Review status: criteria provided, single submitter. Criteria: EGL Classification Definitions 2015. Collection method: clinical testing. Allele origin: germline. Observed: 1 variant allele, 1 heterozygote.

Breakthrough Genomics
Classification: Likely benign. Review status: criteria provided, single submitter. Criteria: ACMG Guidelines, 2015. Collection method: not provided. Allele origin: germline. Inheritance: Autosomal recessive inheritance. Affected: yes.

PreventionGenetics, part of Exact Sciences
Classification: Likely benign for PEX2-related condition. Last evaluated: 2020-08-25. Review status: no assertion criteria provided. Collection method: clinical testing. Allele origin: germline. Not counted in ClinVar's aggregate classification.
Comment: This variant is classified as likely benign based on ACMG/AMP sequence variant interpretation guidelines (Richards et al. 2015 PMID: 25741868, with internal and published modifications).